The following is an entry in ClinVar:

ClinVar aggregate classification (germline): Uncertain significance. Review status: criteria provided, multiple submitters, no conflicts (2 of 4 stars). 2 submissions from 2 submitters: Uncertain significance (2). Last evaluated 2025-07-14.

Conditions:
Inborn genetic diseases. Identifiers: MedGen C0950123, MeSH D030342.
Specific granule deficiency. Identifiers: Orphanet 169142, MedGen C0398593, MONDO:0009506.

Allele frequency attached by ClinVar (database versions not stated): gnomAD 0.00001; gnomAD exomes 0.00001; TOPMed 0.00001; ExAC 0.00002.

Submissions (2):

Labcorp Genetics (formerly Invitae), Labcorp
Classification: Uncertain significance for Specific granule deficiency. Last evaluated: 2025-07-14. Review status: criteria provided, single submitter. Criteria: Invitae Variant Classification Sherloc (09022015). Collection method: clinical testing. Allele origin: germline.
Comment: This sequence change replaces proline, which is neutral and non-polar, with leucine, which is neutral and non-polar, at codon 192 of the CEBPE protein (p.Pro192Leu). This variant is present in population databases (rs755540311, gnomAD 0.02%). This variant has not been reported in the literature in individuals affected with CEBPE-related conditions. ClinVar contains an entry for this variant (Variation ID: 2180606). An algorithm developed to predict the effect of missense changes on protein structure and function (PolyPhen-2) suggests that this variant is likely to be tolerated. In summary, the available evidence is currently insufficient to determine the role of this variant in disease. Therefore, it has been classified as a Variant of Uncertain Significance.

Ambry Genetics
Classification: Uncertain significance for Inborn genetic diseases. Last evaluated: 2022-02-03. Review status: criteria provided, single submitter. Criteria: Ambry Variant Classification Scheme 2023. Collection method: clinical testing. Allele origin: germline.

NM_001805.4(CEBPE):c.575C>T (p.Pro192Leu)

Gene: CEBPE (CCAAT enhancer binding protein epsilon; minus strand). Cytogenetic location: 14q11.2.
Variant type: single nucleotide variant.
Coding change: c.575C>T on transcript NM_001805.4 (MANE Select); coding-DNA position 575, C replaced by T.
Protein change: p.Pro192Leu; replaces proline 192 with leucine.
Molecular consequence: missense variant.
Genome position (GRCh38, 1-based): chr14:23,117,758, G>A on the plus strand (C>T on the coding strand, the complement: CEBPE is on the minus strand). VCF-style: chr14-23117758-G-A. GRCh37 (hg19) VCF-style: chr14-23586967-G-A.
Other names: short protein forms P192L.
Identifiers: ClinVar variation 2180606 (VCV002180606.5), dbSNP rs755540311, ClinGen allele CA7111147.